The following is an entry in ClinVar:

ClinVar aggregate classification (germline): Conflicting classifications of pathogenicity. Review status: criteria provided, conflicting classifications (1 of 4 stars). 2 submissions from 2 submitters: Uncertain significance (1); Likely benign (1). Last evaluated 2026-02-05.

Conditions:
Hereditary cancer-predisposing syndrome. Also called: Neoplastic Syndromes, Hereditary; Hereditary neoplastic syndrome; Tumor predisposition; Hereditary Cancer Syndrome. Identifiers: Orphanet 140162, MedGen C0027672, MeSH D009386, MONDO:0015356.

Submissions (2):

Ambry Genetics
Classification: Likely benign for Hereditary cancer-predisposing syndrome. Last evaluated: 2026-02-05. Review status: criteria provided, single submitter. Criteria: Ambry Variant Classification Scheme 2023. Collection method: clinical testing. Allele origin: germline.

Labcorp Genetics (formerly Invitae), Labcorp
Classification: Uncertain significance. Last evaluated: 2024-08-28. Review status: criteria provided, single submitter. Criteria: Invitae Variant Classification Sherloc (09022015). Collection method: clinical testing. Allele origin: germline.
Comment: This sequence change replaces glutamic acid, which is acidic and polar, with aspartic acid, which is acidic and polar, at codon 353 of the POLE protein (p.Glu353Asp). This variant is not present in population databases (gnomAD no frequency). This variant has not been reported in the literature in individuals affected with POLE-related conditions. ClinVar contains an entry for this variant (Variation ID: 646835). Invitae Evidence Modeling of protein sequence and biophysical properties (such as structural, functional, and spatial information, amino acid conservation, physicochemical variation, residue mobility, and thermodynamic stability) indicates that this missense variant is not expected to disrupt POLE protein function with a negative predictive value of 80%. In summary, the available evidence is currently insufficient to determine the role of this variant in disease. Therefore, it has been classified as a Variant of Uncertain Significance.

NM_006231.4(POLE):c.1059G>C (p.Glu353Asp)

Gene: POLE (DNA polymerase epsilon, catalytic subunit; minus strand). Cytogenetic location: 12q24.33.
Variant type: single nucleotide variant.
Coding change: c.1059G>C on transcript NM_006231.4 (MANE Select); coding-DNA position 1059, G replaced by C.
Protein change: p.Glu353Asp; replaces glutamic acid 353 with aspartic acid.
Molecular consequence: missense variant.
Genome position (GRCh38, 1-based): chr12:132,675,782, C>G on the plus strand (G>C on the coding strand, the complement: POLE is on the minus strand). VCF-style: chr12-132675782-C-G. GRCh37 (hg19) VCF-style: chr12-133252368-C-G.
Other names: short protein forms E353D.
Identifiers: ClinVar variation 646835 (VCV000646835.12), dbSNP rs1593077554, ClinGen allele CA387361574.